The following is an entry in ClinVar:

ClinVar aggregate classification (germline): Uncertain significance (1 of 4 stars; one submission).

Conditions:
Deficiency of steroid 11-beta-monooxygenase (CYP11B1). Also called: ADRENAL HYPERPLASIA, CONGENITAL, DUE TO STEROID 11-BETA-HYDROXYLASE DEFICIENCY; 11-BETA-HYDROXYLASE DEFICIENCY; ADRENAL HYPERPLASIA IV; STEROID 11-BETA-HYDROXYLASE DEFICIENCY; Congenital adrenal hyperplasia due to 11-beta-hydroxylase deficiency; P450C11B1 DEFICIENCY. Identifiers: Orphanet 90795, MedGen C0268292, MONDO:0008729, OMIM 202010. Disease mechanism: loss of function.

Submission:

Diagnostics Services (NGS), CSIR - Centre For Cellular And Molecular Biology
Classification: Uncertain significance for Deficiency of steroid 11-beta-monooxygenase. Last evaluated: 2024-11-11. Review status: criteria provided, single submitter. Criteria: ACMG Guidelines, 2015. Collection method: clinical testing. Allele origin: germline. Affected: yes. Observed: 1 variant allele, 1 homozygote.
Comment: The c.191T>C variant is not present in publicly available population databases like 1000 Genomes, EVS, ExAC, Indian Exome Database or our in-house exome database. This variant is present in gnomAD and at a low frequency. This variant has neither been published in literature with CYP11B1-related conditions nor reported to the clinical databases like ClinVar, Human Gene Mutation Database (HGMD) or OMIM, in any affected individuals. In-silico pathogenicity prediction programs like SIFT, Polyphen-2, CADD etc predicted this variant to be likely deleterious, however these predictions were not confirmed by published functional studies.

NM_000497.4(CYP11B1):c.191T>C (p.Leu64Pro)

Gene: CYP11B1 (cytochrome P450 family 11 subfamily B member 1; minus strand). Cytogenetic location: 8q24.3.
Variant type: single nucleotide variant.
Coding change: c.191T>C on transcript NM_000497.4 (MANE Select); coding-DNA position 191, T replaced by C.
Protein change: p.Leu64Pro; replaces leucine 64 with proline.
Molecular consequence: missense variant.
Genome position (GRCh38, 1-based): chr8:142,879,623, A>G on the plus strand (T>C on the coding strand, the complement: CYP11B1 is on the minus strand). VCF-style: chr8-142879623-A-G. GRCh37 (hg19) VCF-style: chr8-143961039-A-G.
Other names: c.191T>C, p.Leu64Pro (NM_001026213.1); short protein forms L64P.
Identifiers: ClinVar variation 3383374 (VCV003383374.1).